The following is an entry in ClinVar:

NM_138713.4(NFAT5):c.1982G>A (p.Gly661Glu)

Gene: NFAT5 (nuclear factor of activated T cells 5; plus strand). Cytogenetic location: 16q22.1.
Variant type: single nucleotide variant.
Coding change: c.1982G>A on transcript NM_138713.4 (MANE Select); coding-DNA position 1982, G replaced by A.
Protein change: p.Gly661Glu; replaces glycine 661 with glutamic acid.
Molecular consequence: missense variant.
Genome position (GRCh38, 1-based): chr16:69,691,807, G>A. VCF-style: chr16-69691807-G-A. GRCh37 (hg19) VCF-style: chr16-69725710-G-A.
Other names: c.1979G>A, p.Gly660Glu (NM_001113178.3); c.1307G>A, p.Gly436Glu (NM_001367709.1); c.1928G>A, p.Gly643Glu (NM_006599.4); c.1700G>A, p.Gly567Glu (NM_138714.4, NM_173214.3, NM_173215.3); short protein forms G567E, G660E, G436E, G643E, G661E.
Identifiers: ClinVar variation 2795837 (VCV002795837.1), dbSNP rs142214587, ClinGen allele CA8135700.

ClinVar aggregate classification (germline): Uncertain significance (1 of 4 stars; one submission).

Conditions:
Immunodeficiency. Identifiers: MedGen C0021051, MONDO:0021094, HP:0002721.

Allele frequency attached by ClinVar (database versions not stated): TOPMed below 0.00001; ExAC 0.00001; gnomAD 0.00001; ESP Exome Variant Server 0.00008.

Submission:

Labcorp Genetics (formerly Invitae), Labcorp
Classification: Uncertain significance for Immunodeficiency. Last evaluated: 2023-04-09. Review status: criteria provided, single submitter. Criteria: Invitae Variant Classification Sherloc (09022015). Collection method: clinical testing. Allele origin: germline.
Comment: In summary, the available evidence is currently insufficient to determine the role of this variant in disease. Therefore, it has been classified as a Variant of Uncertain Significance. An algorithm developed to predict the effect of missense changes on protein structure and function (PolyPhen-2) suggests that this variant is likely to be disruptive. This variant has not been reported in the literature in individuals affected with NFAT5-related conditions. This variant is present in population databases (rs142214587, gnomAD 0.0009%). This sequence change replaces glycine, which is neutral and non-polar, with glutamic acid, which is acidic and polar, at codon 567 of the NFAT5 protein (p.Gly567Glu).